The following is an entry in ClinVar:

NM_001354712.2(THRB):c.737T>C (p.Leu246Pro)

Genes: THRB (thyroid hormone receptor beta; minus strand), LOC126806630 (CDK7 strongly-dependent group 2 enhancer GRCh37_chr3:24184437-24185636; plus strand). Cytogenetic location: 3p24.2.
Variant type: single nucleotide variant.
Coding change: c.737T>C on transcript NM_001354712.2 (MANE Select); coding-DNA position 737, T replaced by C.
Protein change: p.Leu246Pro; replaces leucine 246 with proline.
Molecular consequence: missense variant.
Genome position (GRCh38, 1-based): chr3:24,143,502, A>G on the plus strand (T>C on the coding strand, the complement: THRB is on the minus strand). VCF-style: chr3-24143502-A-G. GRCh37 (hg19) VCF-style: chr3-24184993-A-G.
Other names: c.737T>C, p.Leu246Pro (NM_000461.5, NM_001128176.3, NM_001128177.2 and 6 more transcripts); c.644T>C, p.Leu215Pro (NM_001354714.2, NM_001354715.2); short protein forms L246P, L215P.
Identifiers: ClinVar variation 439311 (VCV000439311.2), dbSNP rs1553616482, ClinGen allele CA351891306.
Genomic context (GRCh38, chr3:24,143,502, plus strand): 5'-AAATTGAGGTAGAAAACACTGGCATATAAGTGAAACTGATCTGTGCAAGGAAGCCTTACC[A>G]GGAATTTCCGTTTTTGCTTCCAGTGGCTGCCTTGGGCGTTGGTCGCCACATGGGCTTCGG-3'
Protein context (NP_001341641.1, residues 236-256): GSHWKQKRKF[Leu246Pro]PEDIGQAPIV

ClinVar aggregate classification (germline): Uncertain significance. Review status: criteria provided, multiple submitters, no conflicts (2 of 4 stars). 2 submissions from 2 submitters: Uncertain significance (2). Last evaluated 2023-08-15.

Conditions:
Thyroid hormone resistance, generalized, autosomal dominant (GRTHD). Also called: HYPERTHYROXINEMIA, FAMILIAL EUTHYROID, SECONDARY TO PITUITARY AND PERIPHERAL RESISTANCE TO THYROID HORMONES. Identifiers: MedGen C2937288, MONDO:0008569, OMIM 188570.

Submissions (2):

Quest Diagnostics Nichols Institute San Juan Capistrano
Classification: Uncertain significance. Last evaluated: 2023-08-15. Review status: criteria provided, single submitter. Criteria: Quest Diagnostics criteria. Collection method: clinical testing. Allele origin: unknown.
Comment: The has not been reported in large, multi-ethnic general populations. Analysis of this variant using bioinformatics tools for the prediction of the effect of amino acid changes on protein structure and function yielded predictions that this variant is damaging. To the best of our knowledge, the variant has not been reported in the published literature. Based on the available information, we are unable to determine the clinical significance of the variant.

Clinical Molecular Genetics Laboratory, Johns Hopkins All Children's Hospital
Classification: Uncertain significance for Thyroid hormone resistance, generalized, autosomal dominant. Last evaluated: 2017-07-13. Review status: criteria provided, single submitter. Criteria: ACMG Guidelines, 2015. Collection method: clinical testing. Allele origin: germline. Affected: yes.